The following is an entry in ClinVar:

ClinVar aggregate classification (germline): Conflicting classifications of pathogenicity. Review status: criteria provided, conflicting classifications (1 of 4 stars). 2 submissions from 2 submitters: Likely pathogenic (1); Uncertain significance (1). Last evaluated 2026-01-04.

Conditions:
Mitochondrial hypertrophic cardiomyopathy with lactic acidosis due to MTO1 deficiency. Also called: CARDIOMYOPATHY, INFANTILE HYPERTROPHIC MITOCHONDRIAL, AND LACTIC ACIDOSIS; Combined oxidative phosphorylation deficiency 10. Identifiers: Orphanet 314637, MedGen C4749921, MONDO:0013865, OMIM 614702.

Allele frequency attached by ClinVar (database versions not stated): gnomAD 0.00001; TOPMed 0.00001.
gnomAD v4.1: 4 of 1,614,022 alleles (0.00025%); highest among the groups gnomAD compares: Non-Finnish European, 0.00034%; no homozygotes.

Submissions (2):

Labcorp Genetics (formerly Invitae), Labcorp
Classification: Uncertain significance for Mitochondrial hypertrophic cardiomyopathy with lactic acidosis due to MTO1 deficiency. Last evaluated: 2026-01-04. Review status: criteria provided, single submitter. Criteria: Invitae Variant Classification Sherloc (09022015). Collection method: clinical testing. Allele origin: germline.
Comment: This sequence change falls in intron 7 of the MTO1 gene. It does not directly change the encoded amino acid sequence of the MTO1 protein. This variant is not present in population databases (gnomAD no frequency). This variant has been observed in individual(s) with MTO1 deficiency (PMID: 29331171). ClinVar contains an entry for this variant (Variation ID: 488552). Algorithms developed to predict the effect of sequence changes on RNA splicing suggest that this variant may disrupt the consensus splice site. In summary, the available evidence is currently insufficient to determine the role of this variant in disease. Therefore, it has been classified as a Variant of Uncertain Significance.

Institute of Human Genetics Munich, TUM University Hospital
Classification: Likely pathogenic for Mitochondrial hypertrophic cardiomyopathy with lactic acidosis due to MTO1 deficiency. Last evaluated: 2017-11-08. Review status: criteria provided, single submitter. Criteria: Classification criteria August 2017. Collection method: clinical testing. Allele origin: germline. Inheritance: Autosomal recessive inheritance. Affected: yes. Observed: 1 compound heterozygote.

Literature cited by the submitters: PubMed 29331171 (cited by Labcorp Genetics (formerly Invitae), Labcorp).

NM_012123.4(MTO1):c.1261-5T>G

Gene: MTO1 (mitochondrial tRNA translation optimization 1; plus strand). Cytogenetic location: 6q13.
Variant type: single nucleotide variant.
Coding change: c.1261-5T>G on transcript NM_012123.4 (MANE Select); 5 bases into the intron before coding-DNA position 1261, T replaced by G.
Molecular consequence: intron variant.
Genome position (GRCh38, 1-based): chr6:73,482,035, T>G. VCF-style: chr6-73482035-T-G. GRCh37 (hg19) VCF-style: chr6-74191758-T-G.
Other names: c.1336-5T>G (NM_133645.3); c.1381-5T>G (NM_001123226.2).
Identifiers: ClinVar variation 488552 (VCV000488552.9), dbSNP rs1275100093, ClinGen allele CA658683448.